The following is an entry in ClinVar:

NM_172107.4(KCNQ2):c.*7G>A

Gene: KCNQ2 (potassium voltage-gated channel subfamily Q member 2; minus strand). Cytogenetic location: 20q13.33.
Variant type: single nucleotide variant.
Coding change: c.*7G>A on transcript NM_172107.4 (MANE Select); 7 bases downstream of the stop codon, G replaced by A.
Molecular consequence: 3 prime UTR variant.
Genome position (GRCh38, 1-based): chr20:63,406,637, C>T on the plus strand (G>A on the coding strand, the complement: KCNQ2 is on the minus strand). VCF-style: chr20-63406637-C-T. GRCh37 (hg19) VCF-style: chr20-62037990-C-T.
Other names: c.*7G>A (NM_001382235.1, NM_004518.6, NM_172106.3 and 1 more transcripts).
Identifiers: ClinVar variation 3902260 (VCV003902260.1).
Genomic context (GRCh38, chr20:63,406,637, plus strand): 5'-CGCCTCAAAACCTCGGAGGCACCGTGCTGAGGAGGGCCGCGGGCGGGTCCACTGGCCCAG[C>T]GCCGCCTCACTTCCTGGGCCCGGCCCAGCCCACGTCACCAAAGGGACCCTCGCCGGTGGC-3'

ClinVar aggregate classification (germline): Uncertain significance (1 of 4 stars; one submission).

gnomAD v4.1: 14 of 1,585,144 alleles (0.00088%); highest among the groups gnomAD compares: African/African-American, 0.0081%; no homozygotes.

Submission:

Women's Health and Genetics/Laboratory Corporation of America, LabCorp
Classification: Uncertain significance. Last evaluated: 2025-05-13. Review status: criteria provided, single submitter. Criteria: LabCorp Variant Classification Summary - May 2015. Collection method: clinical testing. Allele origin: germline.
Comment: Variant summary: KCNQ2 c.*7G>A is located in the untranslated mRNA region downstream of the termination codon. The variant allele was found at a frequency of 9.8e-06 in 204550 control chromosomes (gnomAD). The available data on variant occurrences in the general population are insufficient to allow any conclusion about variant significance. To our knowledge, no occurrence of c.*7G>A in individuals affected with KCNQ2-Related Disorders and no experimental evidence demonstrating its impact on protein function have been reported. No submitters have cited clinical-significance assessments for this variant to ClinVar. Based on the evidence outlined above, the variant was classified as uncertain significance.